The following is an entry in ClinVar:

NM_181507.2(HPS5):c.2066A>G (p.Glu689Gly)

Gene: HPS5 (HPS5 biogenesis of lysosomal organelles complex 2 subunit 2; minus strand). Cytogenetic location: 11p15.1.
Variant type: single nucleotide variant.
Coding change: c.2066A>G on transcript NM_181507.2 (MANE Select); coding-DNA position 2066, A replaced by G.
Protein change: p.Glu689Gly; replaces glutamic acid 689 with glycine.
Molecular consequence: missense variant.
Genome position (GRCh38, 1-based): chr11:18,291,816, T>C on the plus strand (A>G on the coding strand, the complement: HPS5 is on the minus strand). VCF-style: chr11-18291816-T-C. GRCh37 (hg19) VCF-style: chr11-18313363-T-C.
Other names: c.1724A>G, p.Glu575Gly (NM_007216.4, NM_181508.2); short protein forms E689G, E575G.
Identifiers: ClinVar variation 1511391 (VCV001511391.8), dbSNP rs564959505, ClinGen allele CA218538853.
Genomic context (GRCh38, chr11:18,291,816, plus strand): 5'-CATTCACATGCTGTTTTATCAACAGATTCTTCATTGCCTAAAGAGTCCCTTTTTTCTTTT[T>C]CATTATCTTCATCTAATATTCCCTTTTTTGATTCATTAACTAATAGCACATCCTGGTTCA-3'
Protein context (NP_852608.1, residues 679-699): SKKGILDEDN[Glu689Gly]KEKRDSLGNE

ClinVar aggregate classification (germline): Uncertain significance. Review status: criteria provided, multiple submitters, no conflicts (2 of 4 stars). 3 submissions from 3 submitters: Uncertain significance (3). Last evaluated 2024-05-30.

Conditions:
Inborn genetic diseases. Identifiers: MedGen C0950123, MeSH D030342.
Hermansky-Pudlak syndrome 5 (HPS5). Identifiers: Orphanet 231512, Orphanet 79430, MedGen C3888004, MONDO:0013557, OMIM 614074.

Allele frequency attached by ClinVar (database versions not stated): gnomAD exomes 0.00001; gnomAD 0.00002; 1000 Genomes Project 30x 0.00016; 1000 Genomes Project 0.00020.
gnomAD v4.1: 20 of 1,613,000 alleles (0.0012%); highest among the groups gnomAD compares: South Asian, 0.014%; no homozygotes.

Submissions (3):

Ambry Genetics
Classification: Uncertain significance for Inborn genetic diseases. Last evaluated: 2024-05-30. Review status: criteria provided, single submitter. Criteria: Ambry Variant Classification Scheme 2023. Collection method: clinical testing. Allele origin: germline.

Labcorp Genetics (formerly Invitae), Labcorp
Classification: Uncertain significance. Last evaluated: 2022-05-21. Review status: criteria provided, single submitter. Criteria: Invitae Variant Classification Sherloc (09022015). Collection method: clinical testing. Allele origin: germline.
Comment: This sequence change replaces glutamic acid, which is acidic and polar, with glycine, which is neutral and non-polar, at codon 689 of the HPS5 protein (p.Glu689Gly). This variant is present in population databases (rs564959505, gnomAD 0.003%). This variant has not been reported in the literature in individuals affected with HPS5-related conditions. Algorithms developed to predict the effect of missense changes on protein structure and function output the following: SIFT: "Tolerated"; PolyPhen-2: "Benign"; Align-GVGD: "Class C0". The glycine amino acid residue is found in multiple mammalian species, which suggests that this missense change does not adversely affect protein function. In summary, the available evidence is currently insufficient to determine the role of this variant in disease. Therefore, it has been classified as a Variant of Uncertain Significance.

Fulgent Genetics
Classification: Uncertain significance for Hermansky-Pudlak syndrome 5. Last evaluated: 2022-01-13. Review status: criteria provided, single submitter. Criteria: ACMG Guidelines, 2015. Collection method: clinical testing. Allele origin: unknown.